The following is an entry in ClinVar:

ClinVar aggregate classification (germline): Benign/Likely benign. Review status: criteria provided, multiple submitters, no conflicts (2 of 4 stars). 5 submissions from 5 submitters: Benign (1); Likely benign (4). Last evaluated 2026-02-03.

Conditions:
Retinitis pigmentosa 30 (RP30). Identifiers: Orphanet 791, MedGen C1842816, MONDO:0011935, OMIM 607921.

Allele frequency attached by ClinVar (database versions not stated): 1000 Genomes Project 30x 0.00047; 1000 Genomes Project 0.00060; TOPMed 0.00140; gnomAD exomes 0.00141; ESP Exome Variant Server 0.00152; gnomAD 0.00188 and 0.00195; ExAC 0.00229.
gnomAD v4.1: 2,926 of 1,600,004 alleles (0.18%); highest among the groups gnomAD compares: Non-Finnish European, 0.21%; 2 homozygotes.

Submissions (5):

Labcorp Genetics (formerly Invitae), Labcorp
Classification: Benign. Last evaluated: 2026-02-03. Review status: criteria provided, single submitter. Criteria: Invitae Variant Classification Sherloc (09022015). Collection method: clinical testing. Allele origin: germline.

CeGaT Center for Human Genetics Tuebingen
Classification: Likely benign. Last evaluated: 2025-11-01. Review status: criteria provided, single submitter. Criteria: CeGaT Center For Human Genetics Tuebingen Variant Classification Criteria Version 2. Collection method: clinical testing. Allele origin: germline. Affected: yes. Observed: 2 variant alleles.
Comment: FSCN2: BP4, BP7, BS2

Blueprint Genetics
Classification: Likely benign. Last evaluated: 2024-11-22. Review status: criteria provided, single submitter. Criteria: ACMG Guidelines, 2015. Collection method: clinical testing. Allele origin: germline.

Fulgent Genetics
Classification: Likely benign for Retinitis pigmentosa 30. Last evaluated: 2021-12-09. Review status: criteria provided, single submitter. Criteria: ACMG Guidelines, 2015. Collection method: clinical testing. Allele origin: unknown.

Eurofins Ntd Llc (ga)
Classification: Likely benign. Last evaluated: 2015-02-26. Review status: criteria provided, single submitter. Criteria: EGL Classification Definitions 2015. Collection method: clinical testing. Allele origin: germline. Observed: 1 variant allele, 1 heterozygote.

NM_012418.4(FSCN2):c.1092C>T (p.Ile364=)

Gene: FSCN2 (fascin actin-bundling protein 2, retinal; plus strand). Cytogenetic location: 17q25.3.
Variant type: single nucleotide variant.
Coding change: c.1092C>T on transcript NM_012418.4 (MANE Select); coding-DNA position 1092, C replaced by T.
Protein change: p.Ile364=; no amino-acid change (isoleucine 364 retained).
Molecular consequence: synonymous variant.
Genome position (GRCh38, 1-based): chr17:81,536,254, C>T. VCF-style: chr17-81536254-C-T. GRCh37 (hg19) VCF-style: chr17-79503280-C-T.
Other names: c.1092C>T, p.Ile364= (NM_001077182.3).
Identifiers: ClinVar variation 196310 (VCV000196310.41), dbSNP rs188142101, ClinGen allele CA202283.